The following is an entry in ClinVar:

ClinVar aggregate classification (germline): Uncertain significance (1 of 4 stars; one submission).

Conditions:
Duchenne muscular dystrophy (DMD). Also called: Duchenne Muscular Dystrophy (DMD); MUSCULAR DYSTROPHY, PSEUDOHYPERTROPHIC PROGRESSIVE, DUCHENNE TYPE. Identifiers: Orphanet 98896, MedGen C0013264, MONDO:0010679, OMIM 310200.

Submission:

Labcorp Genetics (formerly Invitae), Labcorp
Classification: Uncertain significance for Duchenne muscular dystrophy. Last evaluated: 2025-03-24. Review status: criteria provided, single submitter. Criteria: Invitae Variant Classification Sherloc (09022015). Collection method: clinical testing. Allele origin: germline.
Comment: This sequence change replaces asparagine, which is neutral and polar, with serine, which is neutral and polar, at codon 3075 of the DMD protein (p.Asn3075Ser). This variant is not present in population databases (gnomAD no frequency). This variant has not been reported in the literature in individuals affected with DMD-related conditions. Invitae Evidence Modeling of protein sequence and biophysical properties (such as structural, functional, and spatial information, amino acid conservation, physicochemical variation, residue mobility, and thermodynamic stability) indicates that this missense variant is not expected to disrupt DMD protein function with a negative predictive value of 95%. In summary, the available evidence is currently insufficient to determine the role of this variant in disease. Therefore, it has been classified as a Variant of Uncertain Significance.

NM_004006.3(DMD):c.9224A>G (p.Asn3075Ser)

Gene: DMD (dystrophin; minus strand). Cytogenetic location: Xp21.2.
Variant type: single nucleotide variant.
Coding change: c.9224A>G on transcript NM_004006.3 (MANE Select); coding-DNA position 9224, A replaced by G.
Protein change: p.Asn3075Ser; replaces asparagine 3075 with serine.
Molecular consequence: missense variant.
Genome position (GRCh38, 1-based): chrX:31,323,598, T>C on the plus strand (A>G on the coding strand, the complement: DMD is on the minus strand). VCF-style: chrX-31323598-T-C. GRCh37 (hg19) VCF-style: chrX-31341715-T-C.
Other names: c.9200A>G, p.Asn3067Ser (NM_000109.4); c.9212A>G, p.Asn3071Ser (NM_004009.3); c.8855A>G, p.Asn2952Ser (NM_004010.3); c.5201A>G, p.Asn1734Ser (NM_004011.4); c.5192A>G, p.Asn1731Ser (NM_004012.4); c.1844A>G, p.Asn615Ser (NM_004013.3, NM_004020.4, NM_004021.3 and 2 more transcripts); c.1037A>G, p.Asn346Ser (NM_004014.3); short protein forms N1731S, N1734S, N2952S, N3067S, N3071S, N3075S, N346S, N615S.
Identifiers: ClinVar variation 4800942 (VCV004800942.1).
Genomic context (GRCh38, chrX:31,323,598, plus strand): 5'-GTGAATATACAGGTTAGTCACAATAAATGCTCTTTTAAAAATGTGATACTTCCAACTTAC[T>C]TGATATAGTAGGGCACTTTGTTTGGCGAGATGGCTCTCTCCCAGGGACCCTGGACAGACG-3'
Protein context (NP_003997.2, residues 3065-3085): ISPNKVPYYI[Asn3075Ser]HETQTTCWDH